The following is an entry in ClinVar:

ClinVar aggregate classification (germline): Uncertain significance (1 of 4 stars; one submission).

Submission:

Ambry Genetics
Classification: Uncertain significance. Last evaluated: 2024-01-22. Review status: criteria provided, single submitter. Criteria: Ambry Variant Classification Scheme 2023. Collection method: clinical testing. Allele origin: germline.
Comment: The p.R705G variant (also known as c.2113A>G), located in coding exon 13 of the POLQ gene, results from an A to G substitution at nucleotide position 2113. The arginine at codon 705 is replaced by glycine, an amino acid with dissimilar properties. This amino acid position is conserved. In addition, this alteration is predicted to be tolerated by in silico analysis. Based on the available evidence, the clinical significance of this alteration remains unclear.

NM_199420.4(POLQ):c.2113A>G (p.Arg705Gly)

Gene: POLQ (DNA polymerase theta; minus strand). Cytogenetic location: 3q13.33.
Variant type: single nucleotide variant.
Coding change: c.2113A>G on transcript NM_199420.4 (MANE Select); coding-DNA position 2113, A replaced by G.
Protein change: p.Arg705Gly; replaces arginine 705 with glycine.
Molecular consequence: missense variant.
Genome position (GRCh38, 1-based): chr3:121,498,517, T>C on the plus strand (A>G on the coding strand, the complement: POLQ is on the minus strand). VCF-style: chr3-121498517-T-C. GRCh37 (hg19) VCF-style: chr3-121217364-T-C.
Other names: short protein forms R705G.
Identifiers: ClinVar variation 3229872 (VCV003229872.1), dbSNP rs2546794679, ClinGen allele CA354109882.
Genomic context (GRCh38, chr3:121,498,517, plus strand): 5'-CCAGAGACCTTGACGTTTACCTTTTATGGATGGCCATTTGTCGATGCTGTCTCTCAGTTC[T>C]GGCTACTACTTTTCCTTTCACACAACGGGCCAAGAACCCCTCTTCAACTCCCACTAGCTC-3'
Protein context (NP_955452.3, residues 695-715): ARCVKGKVVA[Arg705Gly]TERQHRQMAI